The following is an entry in ClinVar:

NM_015836.4(WARS2):c.1030G>T (p.Glu344Ter)

Gene: WARS2 (tryptophanyl tRNA synthetase 2, mitochondrial; minus strand). Cytogenetic location: 1p12.
Variant type: single nucleotide variant.
Coding change: c.1030G>T on transcript NM_015836.4 (MANE Select); coding-DNA position 1030, G replaced by T.
Protein change: p.Glu344Ter; replaces glutamic acid 344 with a stop codon.
Molecular consequence: nonsense. On other transcripts: 3 prime UTR variant (2).
Genome position (GRCh38, 1-based): chr1:119,032,964, C>A on the plus strand (G>T on the coding strand, the complement: WARS2 is on the minus strand). VCF-style: chr1-119032964-C-A. GRCh37 (hg19) VCF-style: chr1-119575587-C-A.
Other names: c.961G>T, p.Glu321Ter (NM_001378226.1, NM_001378227.1); c.859G>T, p.Glu287Ter (NM_001378228.1); c.772G>T, p.Glu258Ter (NM_001378229.1); c.748G>T, p.Glu250Ter (NM_001378230.1); c.*365G>T (NM_001378231.1); c.*396G>T (NM_201263.2); short protein forms E250*, E258*, E287*, E321*, E344*.
Identifiers: ClinVar variation 1310313 (VCV001310313.2), dbSNP rs1647552297, ClinGen allele CA341436115.

ClinVar aggregate classification (germline): Uncertain significance (1 of 4 stars; one submission).

Allele frequency attached by ClinVar (database versions not stated): TOPMed 0.00001.
gnomAD v4.1: 1 of 1,614,238 alleles (0.000062%); highest among the groups gnomAD compares: South Asian, 0.0011%; no homozygotes.

Submission:

GeneDx
Classification: Uncertain significance. Last evaluated: 2019-12-11. Review status: criteria provided, single submitter. Criteria: GeneDx Variant Classification Process June 2021. Collection method: clinical testing. Allele origin: germline. Affected: yes.
Comment: Not observed in large population cohorts (Lek et al., 2016); Nonsense variant predicted to result in protein truncation, although loss-of-function variants have not been reported downstream of this position in the protein; Has not been previously published as pathogenic or benign to our knowledge